The following is an entry in ClinVar:

ClinVar aggregate classification (germline): Pathogenic/Likely pathogenic. Review status: criteria provided, multiple submitters, no conflicts (2 of 4 stars). 2 submissions from 2 submitters: Pathogenic (1); Likely pathogenic (1). Last evaluated 2025-08-04.

Conditions:
Hemochromatosis type 1 (HFE1). Also called: HFE-Related Hemochromatosis; HFE-Associated Hereditary Hemochromatosis. Identifiers: Orphanet 465508, MedGen C3469186, MONDO:0021001, OMIM 235200. Disease mechanism: loss of function.
Hereditary hemochromatosis (HFE). Identifiers: MedGen C0392514, MONDO:0006507. Disease mechanism: loss of function.

Submissions (2):

First Genomix Gene Laboratory, Genetic Diagnostics Department
Classification: Likely pathogenic for Hemochromatosis type 1. Last evaluated: 2025-08-04. Review status: criteria provided, single submitter. Criteria: ACMG Guidelines, 2015. Collection method: clinical testing. Allele origin: germline. Inheritance: Autosomal recessive inheritance. Affected: no. Observed: 1 variant allele.

Labcorp Genetics (formerly Invitae), Labcorp
Classification: Pathogenic for Hereditary hemochromatosis. Last evaluated: 2022-04-16. Review status: criteria provided, single submitter. Criteria: Invitae Variant Classification Sherloc (09022015). Collection method: clinical testing. Allele origin: germline.
Comment: For these reasons, this variant has been classified as Pathogenic. This variant has not been reported in the literature in individuals affected with HFE-related conditions. This variant is not present in population databases (gnomAD no frequency). This sequence change creates a premature translational stop signal (p.Lys254*) in the HFE gene. It is expected to result in an absent or disrupted protein product. Loss-of-function variants in HFE are known to be pathogenic (PMID: 27518069).

Literature cited by the submitters: PubMed 27518069 (cited by Labcorp Genetics (formerly Invitae), Labcorp).

NM_000410.4(HFE):c.760A>T (p.Lys254Ter)

Gene: HFE (homeostatic iron regulator; plus strand). Cytogenetic location: 6p22.2.
Variant type: single nucleotide variant.
Coding change: c.760A>T on transcript NM_000410.4 (MANE Select); coding-DNA position 760, A replaced by T.
Protein change: p.Lys254Ter; replaces lysine 254 with a stop codon.
Molecular consequence: nonsense. On other transcripts: intron variant (1).
Genome position (GRCh38, 1-based): chr6:26,092,828, A>T. VCF-style: chr6-26092828-A-T. GRCh37 (hg19) VCF-style: chr6-26093056-A-T.
Other names: c.760A>T, p.Lys254Ter (NM_001300749.3, NM_001384164.1); c.751A>T, p.Lys251Ter (NM_001406751.1); c.496A>T, p.Lys166Ter (NM_001406752.1, NM_139007.3); c.442A>T, p.Lys148Ter (NM_139003.3); c.484A>T, p.Lys162Ter (NM_139004.3); c.718A>T, p.Lys240Ter (NM_139006.3); c.454A>T, p.Lys152Ter (NM_139008.3); c.691A>T, p.Lys231Ter (NM_139009.3); and 2 more; short protein forms K251*, K254*, K74*, K152*, K148*, K162*, K166*, K231*.
Identifiers: ClinVar variation 2126877 (VCV002126877.5), dbSNP rs1256311452, ClinGen allele CA363208098.